The following is an entry in ClinVar:

NM_003383.5(VLDLR):c.820+1G>A

Gene: VLDLR (very low density lipoprotein receptor; plus strand). Cytogenetic location: 9p24.2.
Variant type: single nucleotide variant.
Coding change: c.820+1G>A on transcript NM_003383.5 (MANE Select); the canonical splice donor site of the intron after coding-DNA position 820, G replaced by A.
Molecular consequence: splice donor variant.
Genome position (GRCh38, 1-based): chr9:2,643,532, G>A. VCF-style: chr9-2643532-G-A. GRCh37 (hg19) VCF-style: chr9-2643532-G-A.
Other names: c.820+1G>A (NM_001018056.3); c.697+1G>A (NM_001322225.2, NM_001322226.2).
Identifiers: ClinVar variation 2231752 (VCV002231752.3), dbSNP rs1563758564, ClinGen allele CA372791826.

ClinVar aggregate classification (germline): Likely pathogenic. Review status: criteria provided, single submitter (1 of 4 stars). 2 submissions from 2 submitters: Likely pathogenic (1). 1 of the submissions does not count toward it. Last evaluated 2021-07-08.

Conditions:
Inborn genetic diseases. Identifiers: MedGen C0950123, MeSH D030342.
Cerebellar ataxia, impaired intellectual development, and dysequilibrium syndrome 1. Also called: VLDLR Cerebellar Hypoplasia; CEREBELLAR ATAXIA AND MENTAL RETARDATION WITH OR WITHOUT QUADRUPEDAL LOCOMOTION 1; CEREBELLAR ATAXIA, CONGENITAL, AND MENTAL RETARDATION, AUTOSOMAL RECESSIVE; Cerebellar hypoplasia and mental retardation with or without quadrupedal locomotion 1; Cerebellar ataxia, intellectual disability, and dysequilibrium syndrome 1; Cerebellar ataxia, mental retardation, and dysequilibrium syndrome 1. Identifiers: Orphanet 1766, MedGen C4551552, MONDO:0024542, OMIM 224050.

Allele frequency attached by ClinVar (database versions not stated): gnomAD exomes 0.00001.
gnomAD v4.1: 17 of 1,614,222 alleles (0.0011%); highest among the groups gnomAD compares: Non-Finnish European, 0.0012%; no homozygotes.

Submissions (2):

Ambry Genetics
Classification: Likely pathogenic for Inborn genetic diseases. Last evaluated: 2021-07-08. Review status: criteria provided, single submitter. Criteria: Ambry Variant Classification Scheme 2023. Collection method: clinical testing. Allele origin: germline.
Comment: The c.820+1G>A intronic alteration consists of a G to A substitution one nucleotide after coding exon 5 of the VLDLR gene. Alterations that disrupt the canonical splice site are expected to cause aberrant splicing, resulting in an abnormal protein or a transcript that is subject to nonsense-mediated mRNA decay. Based on data from the Genome Aggregation Database (gnomAD), the VLDLR c.820+1G>A alteration was observed in <0.01% (1/251474) of total alleles studied. This alteration has been detected as compound heterozygous with a second VLDLR alteration (p.R301*) in siblings with pontocerebellar hypoplasia, mild microcephaly, language delay, intellectual disability, truncal ataxia, intentional tremor, dysarthria, hyperactive deep tendon reflexes, and ophthalmologic features (Valence, 2016). This nucleotide position is highly conserved in available vertebrate species. In silico splice site analysis predicts that this alteration will weaken the native splice donor site and will result in the creation or strengthening of a novel splice donor site. Based on the available evidence, this alteration is classified as likely pathogenic.

OMIM
Classification: Pathogenic for CEREBELLAR ATAXIA, IMPAIRED INTELLECTUAL DEVELOPMENT, AND DYSEQUILIBRIUM SYNDROME 1. Last evaluated: 2023-08-29. Review status: no assertion criteria provided. Collection method: literature only. Allele origin: germline. Not counted in ClinVar's aggregate classification.

Literature cited by the submitters: PubMed 27000652 (cited by Ambry Genetics and OMIM).